The following is an entry in ClinVar:

NM_170606.3(KMT2C):c.4986C>G (p.Pro1662=)

Gene: KMT2C (lysine methyltransferase 2C; minus strand). Cytogenetic location: 7q36.1.
Variant type: single nucleotide variant.
Coding change: c.4986C>G on transcript NM_170606.3 (MANE Select); coding-DNA position 4986, C replaced by G.
Protein change: p.Pro1662=; no amino-acid change (proline 1662 retained).
Molecular consequence: synonymous variant.
Genome position (GRCh38, 1-based): chr7:152,187,284, G>C on the plus strand (C>G on the coding strand, the complement: KMT2C is on the minus strand). VCF-style: chr7-152187284-G-C. GRCh37 (hg19) VCF-style: chr7-151884369-G-C.
Identifiers: ClinVar variation 724475 (VCV000724475.36), dbSNP rs146275250, ClinGen allele CA4580374.

ClinVar aggregate classification (germline): Likely benign. Review status: criteria provided, multiple submitters, no conflicts (2 of 4 stars). 3 submissions from 3 submitters: Likely benign (3). Last evaluated 2026-08-01.

Allele frequency attached by ClinVar (database versions not stated): gnomAD 0.00058 and 0.00060; gnomAD exomes 0.00058 and 0.00049; ExAC 0.00060; ESP Exome Variant Server 0.00108; 1000 Genomes Project 30x 0.00016; 1000 Genomes Project 0.00020; TOPMed 0.00053.
gnomAD v4.1: 791 of 1,613,574 alleles (0.049%); highest among the groups gnomAD compares: Non-Finnish European, 0.057%; 2 homozygotes.

Submissions (3):

CeGaT Center for Human Genetics Tuebingen
Classification: Likely benign. Last evaluated: 2026-08-01. Review status: criteria provided, single submitter. Criteria: CeGaT Center For Human Genetics Tuebingen Variant Classification Criteria Version 2. Collection method: clinical testing. Allele origin: germline. Affected: yes. Observed: 30 variant alleles.
Comment: KMT2C: BP4, BP7

Labcorp Genetics (formerly Invitae), Labcorp
Classification: Likely benign. Last evaluated: 2026-01-12. Review status: criteria provided, single submitter. Criteria: Invitae Variant Classification Sherloc (09022015). Collection method: clinical testing. Allele origin: germline.

Blueprint Genetics
Classification: Likely benign. Last evaluated: 2024-11-18. Review status: criteria provided, single submitter. Criteria: ACMG Guidelines, 2015. Collection method: clinical testing. Allele origin: germline.